The following is an entry in ClinVar:

ClinVar aggregate classification (germline): Uncertain significance (1 of 4 stars; one submission).

gnomAD v4.1: 1 of 1,613,532 alleles (0.000062%); highest among the groups gnomAD compares: Non-Finnish European, 0.000085%; no homozygotes.

Submission:

Labcorp Genetics (formerly Invitae), Labcorp
Classification: Uncertain significance. Last evaluated: 2023-07-25. Review status: criteria provided, single submitter. Criteria: Invitae Variant Classification Sherloc (09022015). Collection method: clinical testing. Allele origin: germline.
Comment: This variant is not present in population databases (gnomAD no frequency). This sequence change replaces glutamine, which is neutral and polar, with histidine, which is basic and polar, at codon 415 of the CCDC8 protein (p.Gln415His). This variant has not been reported in the literature in individuals affected with CCDC8-related conditions. An algorithm developed to predict the effect of missense changes on protein structure and function (PolyPhen-2) suggests that this variant is likely to be disruptive. In summary, the available evidence is currently insufficient to determine the role of this variant in disease. Therefore, it has been classified as a Variant of Uncertain Significance.

NM_032040.5(CCDC8):c.1245G>C (p.Gln415His)

Gene: CCDC8 (coiled-coil domain containing 8 subunit of 3M complex; minus strand). Cytogenetic location: 19q13.32.
Variant type: single nucleotide variant.
Coding change: c.1245G>C on transcript NM_032040.5 (MANE Select); coding-DNA position 1245, G replaced by C.
Protein change: p.Gln415His; replaces glutamine 415 with histidine.
Molecular consequence: missense variant.
Genome position (GRCh38, 1-based): chr19:46,411,566, C>G on the plus strand (G>C on the coding strand, the complement: CCDC8 is on the minus strand). VCF-style: chr19-46411566-C-G. GRCh37 (hg19) VCF-style: chr19-46914823-C-G.
Other names: short protein forms Q415H.
Identifiers: ClinVar variation 2990560 (VCV002990560.3), dbSNP rs891066458, ClinGen allele CA406459376.